The following is an entry in ClinVar:

NM_004820.5(CYP7B1):c.204G>T (p.Arg68Ser)

Gene: CYP7B1 (cytochrome P450 family 7 subfamily B member 1; minus strand). Cytogenetic location: 8q12.3.
Variant type: single nucleotide variant.
Coding change: c.204G>T on transcript NM_004820.5 (MANE Select); coding-DNA position 204, G replaced by T.
Protein change: p.Arg68Ser; replaces arginine 68 with serine.
Molecular consequence: missense variant.
Genome position (GRCh38, 1-based): chr8:64,624,458, C>A on the plus strand (G>T on the coding strand, the complement: CYP7B1 is on the minus strand). VCF-style: chr8-64624458-C-A. GRCh37 (hg19) VCF-style: chr8-65537015-C-A.
Other names: c.204G>T, p.Arg68Ser (NM_001324112.2); c.204G>T (NM_004820.3); short protein forms R68S.
Identifiers: ClinVar variation 1377143 (VCV001377143.7), dbSNP rs377119798, ClinGen allele CA4764273.

ClinVar aggregate classification (germline): Conflicting classifications of pathogenicity. Review status: criteria provided, conflicting classifications (1 of 4 stars). 3 submissions from 3 submitters: Uncertain significance (2); Likely benign (1). Last evaluated 2025-06-18.

Conditions:
Inborn genetic diseases. Identifiers: MedGen C0950123, MeSH D030342.
Spastic paraplegia. Identifiers: MedGen C0037772, HP:0001258.

gnomAD v4.1: 21 of 1,612,856 alleles (0.0013%); highest among the groups gnomAD compares: African/African-American, 0.0054%; no homozygotes.

Submissions (3):

Ambry Genetics
Classification: Likely benign for Inborn genetic diseases. Last evaluated: 2025-06-18. Review status: criteria provided, single submitter. Criteria: Ambry Variant Classification Scheme 2023. Collection method: clinical testing. Allele origin: germline.

Revvity Omics, Revvity
Classification: Uncertain significance. Last evaluated: 2022-09-13. Review status: criteria provided, single submitter. Criteria: ACMG Guidelines, 2015. Collection method: clinical testing. Allele origin: germline.

Labcorp Genetics (formerly Invitae), Labcorp
Classification: Uncertain significance for Spastic paraplegia. Last evaluated: 2021-11-06. Review status: criteria provided, single submitter. Criteria: Invitae Variant Classification Sherloc (09022015). Collection method: clinical testing. Allele origin: germline.
Comment: This variant has not been reported in the literature in individuals affected with CYP7B1-related conditions. This variant is present in population databases (rs377119798, gnomAD 0.007%). This sequence change replaces arginine, which is basic and polar, with serine, which is neutral and polar, at codon 68 of the CYP7B1 protein (p.Arg68Ser). In summary, the available evidence is currently insufficient to determine the role of this variant in disease. Therefore, it has been classified as a Variant of Uncertain Significance. Algorithms developed to predict the effect of missense changes on protein structure and function output the following: SIFT: "Tolerated"; PolyPhen-2: "Benign"; Align-GVGD: "Class C0". The serine amino acid residue is found in multiple mammalian species, which suggests that this missense change does not adversely affect protein function.